The following is an entry in ClinVar:

NM_001457.4(FLNB):c.6709G>A (p.Glu2237Lys)

Gene: FLNB (filamin B; plus strand). Cytogenetic location: 3p14.3.
Variant type: single nucleotide variant.
Coding change: c.6709G>A on transcript NM_001457.4 (MANE Select); coding-DNA position 6709, G replaced by A.
Protein change: p.Glu2237Lys; replaces glutamic acid 2237 with lysine.
Molecular consequence: missense variant.
Genome position (GRCh38, 1-based): chr3:58,154,865, G>A. VCF-style: chr3-58154865-G-A. GRCh37 (hg19) VCF-style: chr3-58140592-G-A.
Other names: c.6802G>A, p.Glu2268Lys (NM_001164317.2); c.6676G>A, p.Glu2226Lys (NM_001164318.2); c.6637G>A, p.Glu2213Lys (NM_001164319.2); short protein forms E2226K, E2213K, E2237K, E2268K.
Identifiers: ClinVar variation 4708673 (VCV004708673.1).

ClinVar aggregate classification (germline): Uncertain significance (1 of 4 stars; one submission).

gnomAD v4.1: 15 of 1,614,054 alleles (0.00093%); highest among the groups gnomAD compares: East Asian, 0.0022%; no homozygotes.

Submission:

Labcorp Genetics (formerly Invitae), Labcorp
Classification: Uncertain significance. Last evaluated: 2025-02-08. Review status: criteria provided, single submitter. Criteria: Invitae Variant Classification Sherloc (09022015). Collection method: clinical testing. Allele origin: germline.
Comment: This sequence change replaces glutamic acid, which is acidic and polar, with lysine, which is basic and polar, at codon 2237 of the FLNB protein (p.Glu2237Lys). This variant is present in population databases (no rsID available, gnomAD 0.004%). This variant has not been reported in the literature in individuals affected with FLNB-related conditions. Invitae Evidence Modeling of protein sequence and biophysical properties (such as structural, functional, and spatial information, amino acid conservation, physicochemical variation, residue mobility, and thermodynamic stability) indicates that this missense variant is not expected to disrupt FLNB protein function with a negative predictive value of 95%. In summary, the available evidence is currently insufficient to determine the role of this variant in disease. Therefore, it has been classified as a Variant of Uncertain Significance.